The following is an entry in ClinVar:

NM_000337.6(SGCD):c.296G>A (p.Gly99Asp)

Gene: SGCD (sarcoglycan delta; plus strand). Cytogenetic location: 5q33.3.
Variant type: single nucleotide variant.
Coding change: c.296G>A on transcript NM_000337.6 (MANE Select); coding-DNA position 296, G replaced by A.
Protein change: p.Gly99Asp; replaces glycine 99 with aspartic acid.
Molecular consequence: missense variant.
Genome position (GRCh38, 1-based): chr5:156,589,232, G>A. VCF-style: chr5-156589232-G-A. GRCh37 (hg19) VCF-style: chr5-156016242-G-A.
Other names: c.293G>A, p.Gly98Asp (NM_001128209.2); c.296G>A, p.Gly99Asp (NM_172244.3); short protein forms G98D, G99D.
Identifiers: ClinVar variation 1011570 (VCV001011570.7), dbSNP rs955284985, ClinGen allele CA362008454.

ClinVar aggregate classification (germline): Uncertain significance (1 of 4 stars; one submission).

Conditions:
Autosomal recessive limb-girdle muscular dystrophy type 2F (LGMDR6). Also called: Muscular dystrophy limb-girdle with delta-sarcoglyan deficiency; MUSCULAR DYSTROPHY, LIMB-GIRDLE, AUTOSOMAL RECESSIVE 6. Identifiers: Orphanet 219, MedGen C1832525, MONDO:0011028, OMIM 601287. Disease mechanism: Affects gamma-sarcoglycan and also disrupts the integrity of the entire sarcoglycan complex..

Allele frequency attached by ClinVar (database versions not stated): gnomAD exomes below 0.00001; gnomAD 0.00001.
gnomAD v4.1: 5 of 1,552,236 alleles (0.00032%); highest among the groups gnomAD compares: African/African-American, 0.0041%; no homozygotes.

Submission:

Labcorp Genetics (formerly Invitae), Labcorp
Classification: Uncertain significance for Autosomal recessive limb-girdle muscular dystrophy type 2F. Last evaluated: 2022-03-23. Review status: criteria provided, single submitter. Criteria: Invitae Variant Classification Sherloc (09022015). Collection method: clinical testing. Allele origin: germline.
Comment: In summary, the available evidence is currently insufficient to determine the role of this variant in disease. Therefore, it has been classified as a Variant of Uncertain Significance. Algorithms developed to predict the effect of missense changes on protein structure and function (SIFT, PolyPhen-2, Align-GVGD) all suggest that this variant is likely to be tolerated. ClinVar contains an entry for this variant (Variation ID: 1011570). This variant has not been reported in the literature in individuals affected with SGCD-related conditions. This variant is not present in population databases (gnomAD no frequency). This sequence change replaces glycine, which is neutral and non-polar, with aspartic acid, which is acidic and polar, at codon 99 of the SGCD protein (p.Gly99Asp).